The following is an entry in ClinVar:

NM_024665.7(TBL1XR1):c.343G>A (p.Ala115Thr)

Gene: TBL1XR1 (TBL1X/Y related 1; minus strand). Cytogenetic location: 3q26.32.
Variant type: single nucleotide variant.
Coding change: c.343G>A on transcript NM_024665.7 (MANE Select); coding-DNA position 343, G replaced by A.
Protein change: p.Ala115Thr; replaces alanine 115 with threonine.
Molecular consequence: missense variant.
Genome position (GRCh38, 1-based): chr3:177,051,588, C>T on the plus strand (G>A on the coding strand, the complement: TBL1XR1 is on the minus strand). VCF-style: chr3-177051588-C-T. GRCh37 (hg19) VCF-style: chr3-176769376-C-T.
Other names: c.343G>A, p.Ala115Thr (NM_001321193.3, NM_001321194.3, NM_001374327.1 and 2 more transcripts); c.82G>A, p.Ala28Thr (NM_001321195.3, NM_001374330.1); c.343G>A (NM_024665.5); short protein forms A115T, A28T.
Identifiers: ClinVar variation 626177 (VCV000626177.43), dbSNP rs375411293, ClinGen allele CA2710001.

ClinVar aggregate classification (germline): Conflicting classifications of pathogenicity. Review status: criteria provided, conflicting classifications (1 of 4 stars). 9 submissions from 9 submitters: Uncertain significance (1); Benign (1); Likely benign (6). 1 of the submissions does not count toward it. Last evaluated 2026-08-01.

Conditions:
Pierpont syndrome (PRPTS). Identifiers: Orphanet 487825, MedGen C1865644, MONDO:0011213, OMIM 602342.
TBL1XR1-related disorder. Also called: TBL1XR1-related condition; TBL1XR1-related disorders. Identifiers: MedGen CN382633, MONDO:1060313.
Inborn genetic diseases. Identifiers: MedGen C0950123, MeSH D030342.
Intellectual developmental disorder, autosomal dominant 41. Also called: Intellectual disability, autosomal dominant 41. Identifiers: Orphanet 2823, MedGen C4310784, MONDO:0014842, OMIM 616944.

Allele frequency attached by ClinVar (database versions not stated): ESP Exome Variant Server 0.00008; TOPMed 0.00017; gnomAD 0.00022.
gnomAD v4.1: 161 of 1,613,330 alleles (0.01%); highest among the groups gnomAD compares: African/African-American, 0.024%; no homozygotes.

Submissions (9):

CeGaT Center for Human Genetics Tuebingen
Classification: Likely benign. Last evaluated: 2026-08-01. Review status: criteria provided, single submitter. Criteria: CeGaT Center For Human Genetics Tuebingen Variant Classification Criteria Version 2. Collection method: clinical testing. Allele origin: germline. Affected: yes. Observed: 6 variant alleles.
Comment: TBL1XR1: PP2, BP4, BS2

Women's Health and Genetics/Laboratory Corporation of America, LabCorp
Classification: Likely benign. Last evaluated: 2026-03-13. Review status: criteria provided, single submitter. Criteria: LabCorp Variant Classification Summary - May 2015. Collection method: clinical testing. Allele origin: germline.
Comment: Variant summary: TBL1XR1 c.343G>A (p.Ala115Thr) results in a non-conservative amino acid change in the encoded protein sequence. Algorithms developed to predict the effect of missense changes on protein structure and function are either unavailable or do not agree on the potential impact of this missense change. The variant allele was found at a frequency of 0.00015 in 247976 control chromosomes. This frequency is not significantly higher than estimated for disease-causing variants in TBL1XR1, allowing no conclusion about variant significance. To our knowledge, no occurrence of c.343G>A in individuals affected with TBL1XR1-related conditions and no experimental evidence demonstrating its impact on protein function have been reported. ClinVar contains an entry for this variant (Variation ID: 626177). Based on the evidence outlined above, the variant was classified as likely benign.

Labcorp Genetics (formerly Invitae), Labcorp
Classification: Likely benign for Pierpont syndrome. Last evaluated: 2025-10-11. Review status: criteria provided, single submitter. Criteria: Invitae Variant Classification Sherloc (09022015). Collection method: clinical testing. Allele origin: germline.

Laboratory of Genetics, Children's Clinical University Hospital Latvia
Classification: Likely benign. Last evaluated: 2025-02-16. Review status: criteria provided, single submitter. Criteria: ACMG Guidelines, 2015. Collection method: clinical testing. Allele origin: germline. Affected: yes.

Blueprint Genetics
Classification: Likely benign. Last evaluated: 2024-11-22. Review status: criteria provided, single submitter. Criteria: ACMG Guidelines, 2015. Collection method: clinical testing. Allele origin: germline.

Ambry Genetics
Classification: Likely benign for Inborn genetic diseases. Last evaluated: 2024-02-06. Review status: criteria provided, single submitter. Criteria: Ambry Variant Classification Scheme 2023. Collection method: clinical testing. Allele origin: germline.

GeneDx
Classification: Benign. Last evaluated: 2019-04-05. Review status: criteria provided, single submitter. Criteria: GeneDx Variant Classification Process June 2021. Collection method: clinical testing. Allele origin: germline. Affected: yes.

Center for Genomics, Ann and Robert H. Lurie Children's Hospital of Chicago
Classification: Uncertain significance for Intellectual developmental disorder, autosomal dominant 41; Pierpont syndrome. Review status: criteria provided, single submitter. Criteria: ACMG Guidelines, 2015. Collection method: clinical testing. Allele origin: germline.
Comment: TBL1XR1 NM_024665.5 exon 5 p.Ala115Thr (c.343G>A): This variant has not been reported in the literature but is present in 34/125618 European alleles in the Genome Aggregation Database. This variant amino acid Threonine (Thr) is present in 7 species; this suggests that this variant may not impact the protein. Additional computational prediction tools do not suggest an impact. In summary, data on this variant is insufficient for disease classification. Therefore, the clinical significance of this variant is uncertain.

PreventionGenetics, part of Exact Sciences
Classification: Likely benign for TBL1XR1-related condition. Last evaluated: 2023-07-28. Review status: no assertion criteria provided. Collection method: clinical testing. Allele origin: germline. Not counted in ClinVar's aggregate classification.
Comment: This variant is classified as likely benign based on ACMG/AMP sequence variant interpretation guidelines (Richards et al. 2015 PMID: 25741868, with internal and published modifications).